The following is an entry in ClinVar:

ClinVar aggregate classification (germline): Pathogenic/Likely pathogenic. Review status: criteria provided, multiple submitters, no conflicts (2 of 4 stars). 2 submissions from 2 submitters: Pathogenic (1); Likely pathogenic (1). Last evaluated 2025-07-27.

Conditions:
Chilton-Okur-Chung neurodevelopmental syndrome (CHOCNS). Identifiers: MedGen C5677022, MONDO:0859239, OMIM 619841.

Submissions (2):

Variantyx, Inc.
Classification: Likely pathogenic for Chilton-Okur-Chung neurodevelopmental syndrome. Last evaluated: 2025-07-27. Review status: criteria provided, single submitter. Criteria: Variantyx Assertion Criteria 2022. Collection method: clinical testing. Allele origin: germline. Inheritance: Autosomal dominant inheritance. Affected: yes.
Comment: This is a nonsense variant in the CDC42BPB gene (OMIM: 614062). Pathogenic variants in this gene have been associated with autosomal dominant Chilton-Okur-Chung neurodevelopmental syndrome. This variant introduces a premature termination codon in exon 4 out of 37 and is expected to result in loss of function, which is a known disease mechanism for CDC42BPB in this disorder (PMID: 32031333) (PVS1). This variant is absent from control populations (PM2). Based on the current evidence, this variant is classified as likely pathogenic for autosomal dominant Chilton-Okur-Chung neurodevelopmental syndrome.

Labcorp Genetics (formerly Invitae), Labcorp
Classification: Pathogenic. Last evaluated: 2020-07-20. Review status: criteria provided, single submitter. Criteria: Invitae Variant Classification Sherloc (09022015). Collection method: clinical testing. Allele origin: germline.
Comment: For these reasons, this variant has been classified as Pathogenic. This variant is not present in population databases (ExAC no frequency). This sequence change creates a premature translational stop signal (p.Arg122*) in the CDC42BPB gene. It is expected to result in an absent or disrupted protein product. This variant has not been reported in the literature in individuals with CDC42BPB-related conditions. Loss-of-function variants in CDC42BPB are known to be pathogenic (PMID: 32031333).

Literature cited by the submitters: PubMed 32031333 (cited by Variantyx, Inc. and Labcorp Genetics (formerly Invitae), Labcorp).

NM_006035.4(CDC42BPB):c.364C>T (p.Arg122Ter)

Gene: CDC42BPB (CDC42 binding protein kinase beta; minus strand). Cytogenetic location: 14q32.32.
Variant type: single nucleotide variant.
Coding change: c.364C>T on transcript NM_006035.4 (MANE Select); coding-DNA position 364, C replaced by T.
Protein change: p.Arg122Ter; replaces arginine 122 with a stop codon.
Molecular consequence: nonsense.
Genome position (GRCh38, 1-based): chr14:103,004,011, G>A on the plus strand (C>T on the coding strand, the complement: CDC42BPB is on the minus strand). VCF-style: chr14-103004011-G-A. GRCh37 (hg19) VCF-style: chr14-103470348-G-A.
Other names: short protein forms R122*.
Identifiers: ClinVar variation 1069195 (VCV001069195.8), dbSNP rs2139609624, ClinGen allele CA391072930.